The following is an entry in ClinVar:

NM_001395656.1(ROBO2):c.4298A>G (p.Lys1433Arg)

Gene: ROBO2 (roundabout guidance receptor 2; plus strand). Cytogenetic location: 3p12.3.
Variant type: single nucleotide variant.
Coding change: c.4298A>G on transcript NM_001395656.1 (MANE Select); coding-DNA position 4298, A replaced by G.
Protein change: p.Lys1433Arg; replaces lysine 1433 with arginine.
Molecular consequence: missense variant.
Genome position (GRCh38, 1-based): chr3:77,644,782, A>G. VCF-style: chr3-77644782-A-G. GRCh37 (hg19) VCF-style: chr3-77693933-A-G.
Other names: c.4061A>G, p.Lys1354Arg (NM_001128929.3); c.4025A>G, p.Lys1342Arg (NM_001290039.2); c.4208A>G, p.Lys1403Arg (NM_001290040.2, NM_001395657.1); c.2234A>G, p.Lys745Arg (NM_001290065.2); c.4346A>G, p.Lys1449Arg (NM_001378190.1); c.4472A>G, p.Lys1491Arg (NM_001378191.1); c.4367A>G, p.Lys1456Arg (NM_001378192.1); c.4286A>G, p.Lys1429Arg (NM_001378193.1); and 11 more; short protein forms K1300R, K1338R, K1339R, K1407R, K1429R, K1491R, K1494R, K1380R.
Identifiers: ClinVar variation 2956435 (VCV002956435.4), dbSNP rs1195563836, ClinGen allele CA353533479.

ClinVar aggregate classification (germline): Uncertain significance. Review status: criteria provided, multiple submitters, no conflicts (2 of 4 stars). 2 submissions from 2 submitters: Uncertain significance (2). Last evaluated 2024-06-26.

Allele frequency attached by ClinVar (database versions not stated): gnomAD 0.00001; gnomAD exomes 0.00001; TOPMed 0.00002.
gnomAD v4.1: 4 of 1,613,924 alleles (0.00025%); highest among the groups gnomAD compares: Admixed American, 0.0067%; no homozygotes.

Submissions (2):

Labcorp Genetics (formerly Invitae), Labcorp
Classification: Uncertain significance. Last evaluated: 2024-06-26. Review status: criteria provided, single submitter. Criteria: Invitae Variant Classification Sherloc (09022015). Collection method: clinical testing. Allele origin: germline.
Comment: This sequence change replaces lysine, which is basic and polar, with arginine, which is basic and polar, at codon 1338 of the ROBO2 protein (p.Lys1338Arg). This variant is present in population databases (no rsID available, gnomAD 0.003%). This variant has not been reported in the literature in individuals affected with ROBO2-related conditions. Advanced modeling of protein sequence and biophysical properties (such as structural, functional, and spatial information, amino acid conservation, physicochemical variation, residue mobility, and thermodynamic stability) performed at Invitae indicates that this missense variant is not expected to disrupt ROBO2 protein function with a negative predictive value of 95%. In summary, the available evidence is currently insufficient to determine the role of this variant in disease. Therefore, it has been classified as a Variant of Uncertain Significance.

Breakthrough Genomics
Classification: Uncertain significance. Review status: criteria provided, single submitter. Criteria: ACMG Guidelines, 2015. Collection method: not provided. Allele origin: germline. Inheritance: Autosomal dominant inheritance. Affected: yes.